The following is an entry in ClinVar:

ClinVar aggregate classification (germline): Uncertain significance (1 of 4 stars; one submission).

Conditions:
PKD1L1-related disorder. Also called: PKD1L1-related condition.

gnomAD v4.1: 31 of 1,613,908 alleles (0.0019%); highest among the groups gnomAD compares: Middle Eastern, 0.016%; no homozygotes.

Submission:

PreventionGenetics, part of Exact Sciences
Classification: Uncertain significance for PKD1L1-related condition. Last evaluated: 2026-02-04. Review status: criteria provided, single submitter. Criteria: ACMG Guidelines, 2015. Collection method: clinical testing. Allele origin: germline.
Comment: The PKD1L1 c.244C>T variant is predicted to result in the amino acid substitution p.Arg82Trp. To our knowledge, this variant has not been reported in the literature. This variant is reported in 0.0080% of alleles in individuals of African descent in gnomAD. At this time, the clinical significance of this variant is uncertain due to the absence of conclusive functional and genetic evidence.

NM_138295.5(PKD1L1):c.244C>T (p.Arg82Trp)

Gene: PKD1L1 (polycystin 1 like 1, transient receptor potential channel interacting; minus strand). Cytogenetic location: 7p12.3.
Variant type: single nucleotide variant.
Coding change: c.244C>T on transcript NM_138295.5 (MANE Select); coding-DNA position 244, C replaced by T.
Protein change: p.Arg82Trp; replaces arginine 82 with tryptophan.
Molecular consequence: missense variant.
Genome position (GRCh38, 1-based): chr7:47,940,234, G>A on the plus strand (C>T on the coding strand, the complement: PKD1L1 is on the minus strand). VCF-style: chr7-47940234-G-A. GRCh37 (hg19) VCF-style: chr7-47979831-G-A.
Other names: short protein forms R82W.
Identifiers: ClinVar variation 4999975 (VCV004999975.1).
Genomic context (GRCh38, chr7:47,940,234, plus strand): 5'-TCCCCAGATCCAGGAATACCTTCTGCCTGGAAGCTGATGAGGATGGGCTCTGTGATTCCC[G>A]GTCTTCTGCCTTTCCATTCAGAGCACACCAAGGACAGCCACACTTCCCATCACTCATAAG-3'
Protein context (NP_612152.1, residues 72-92): WCALNGKAED[Arg82Trp]ESQSPSSSAS